The following is an entry in ClinVar:

NM_005876.5(SPEG):c.8515G>T (p.Gly2839Cys)

Genes: ASIC4-AS1 (ASIC4 antisense RNA 1; minus strand), SPEG (striated muscle enriched protein kinase; plus strand). Cytogenetic location: 2q35.
Variant type: single nucleotide variant.
Coding change: c.8515G>T on transcript NM_005876.5 (MANE Select); coding-DNA position 8515, G replaced by T.
Protein change: p.Gly2839Cys; replaces glycine 2839 with cysteine.
Molecular consequence: missense variant.
Genome position (GRCh38, 1-based): chr2:219,489,533, G>T. VCF-style: chr2-219489533-G-T. GRCh37 (hg19) VCF-style: chr2-220354255-G-T.
Other names: short protein forms G2839C.
Identifiers: ClinVar variation 1354434 (VCV001354434.6), dbSNP rs765090025, ClinGen allele CA2127512.

ClinVar aggregate classification (germline): Uncertain significance (1 of 4 stars; one submission).

Allele frequency attached by ClinVar (database versions not stated): gnomAD 0.00002 and 0.00003.
gnomAD v4.1: 53 of 1,613,150 alleles (0.0033%); highest among the groups gnomAD compares: Non-Finnish European, 0.0041%; no homozygotes.

Submission:

Labcorp Genetics (formerly Invitae), Labcorp
Classification: Uncertain significance. Last evaluated: 2022-06-27. Review status: criteria provided, single submitter. Criteria: Invitae Variant Classification Sherloc (09022015). Collection method: clinical testing. Allele origin: germline.
Comment: This variant has not been reported in the literature in individuals affected with SPEG-related conditions. In summary, the available evidence is currently insufficient to determine the role of this variant in disease. Therefore, it has been classified as a Variant of Uncertain Significance. Algorithms developed to predict the effect of missense changes on protein structure and function are either unavailable or do not agree on the potential impact of this missense change (SIFT: "Deleterious"; PolyPhen-2: "Probably Damaging"; Align-GVGD: "Class C0"). This variant is present in population databases (rs765090025, gnomAD 0.006%). This sequence change replaces glycine, which is neutral and non-polar, with cysteine, which is neutral and slightly polar, at codon 2839 of the SPEG protein (p.Gly2839Cys).